The following is an entry in ClinVar:

ClinVar aggregate classification (germline): Likely pathogenic (1 of 4 stars; one submission).

Conditions:
Dilated cardiomyopathy 1G (CMD1G). Identifiers: Orphanet 154, MedGen C1858763, MONDO:0011400, OMIM 604145.
Autosomal recessive limb-girdle muscular dystrophy type 2J (LGMDR10). Also called: Limb-girdle muscular dystrophy, type 2J; MUSCULAR DYSTROPHY, LIMB-GIRDLE, AUTOSOMAL RECESSIVE 10. Identifiers: Orphanet 140922, MedGen C1837342, MONDO:0012127, OMIM 608807.

Submission:

Labcorp Genetics (formerly Invitae), Labcorp
Classification: Likely pathogenic for Dilated cardiomyopathy 1G; Autosomal recessive limb-girdle muscular dystrophy type 2J. Last evaluated: 2023-12-06. Review status: criteria provided, single submitter. Criteria: Invitae Variant Classification Sherloc (09022015). Collection method: clinical testing. Allele origin: germline.
Comment: This sequence change creates a premature translational stop signal (p.Glu34397Argfs*60) in the TTN gene. While this is not anticipated to result in nonsense mediated decay, it is expected to create a truncated TTN protein. This variant is not present in population databases (gnomAD no frequency). This variant has not been reported in the literature in individuals affected with TTN-related conditions. ClinVar contains an entry for this variant (Variation ID: 1067364). This variant is located in the M band of TTN (PMID: 25589632). Truncating variants in this region have been previously reported in individuals affected with autosomal recessive myopathy and muscular dystrophy (PMID: 18948003, 23975875, 24395473). Truncating variants in this region have also been identified in individuals affected with autosomal dominant dilated cardiomyopathy and/or cardio-related conditions (PMID: 27869827, 32964742). In summary, the currently available evidence indicates that the variant is pathogenic, but additional data are needed to prove that conclusively. Therefore, this variant has been classified as Likely Pathogenic.

Literature cited by the submitters: PubMed 25589632; PubMed 18948003; PubMed 23975875; PubMed 24395473; PubMed 27869827; PubMed 32964742.

NM_001267550.2(TTN):c.103189del (p.Glu34397fs)

Genes: TTN (titin; minus strand), TTN-AS1 (TTN antisense RNA 1; plus strand). Cytogenetic location: 2q31.2.
Variant type: Deletion.
Coding change: c.103189del on transcript NM_001267550.2 (MANE Select); coding-DNA position 103189, one base deleted (G; older notation c.103189delG).
Protein change: p.Glu34397fs; shifts the reading frame from glutamic acid 34397.
Molecular consequence: frameshift variant.
Genome position (GRCh38, 1-based): chr2:178,533,426, C deleted on the plus strand (G on the coding strand, the reverse complement: TTN is on the minus strand); the first of 3 consecutive C bases (chr2:178,533,426-178,533,428); deleting any one gives the same sequence. VCF-style (leftmost placement, unchanged base first): chr2-178533425-TC-T. GRCh37 (hg19) VCF-style: chr2-179398152-TC-T.
Other names: c.98266del, p.Glu32756fs (NM_001256850.1); c.75994del, p.Glu25332fs (NM_003319.4); c.95485del, p.Glu31829fs (NM_133378.4); c.76369del, p.Glu25457fs (NM_133432.3); c.76570del, p.Glu25524fs (NM_133437.4); short protein forms E25332fs, E25457fs, E25524fs, E31829fs, E32756fs, E34397fs.
Identifiers: ClinVar variation 1067364 (VCV001067364.9), dbSNP rs2154135131, ClinGen allele CA2499215278.